The following is an entry in ClinVar:

ClinVar aggregate classification (germline): Uncertain significance (1 of 4 stars; one submission).

gnomAD v4.1: 1 of 1,614,090 alleles (0.000062%); highest among the groups gnomAD compares: Non-Finnish European, 0.000085%; no homozygotes.

Submission:

Labcorp Genetics (formerly Invitae), Labcorp
Classification: Uncertain significance. Last evaluated: 2025-10-06. Review status: criteria provided, single submitter. Criteria: Invitae Variant Classification Sherloc (09022015). Collection method: clinical testing. Allele origin: germline.
Comment: This sequence change replaces valine, which is neutral and non-polar, with isoleucine, which is neutral and non-polar, at codon 1024 of the SRCAP protein (p.Val1024Ile). This variant is not present in population databases (gnomAD no frequency). This variant has not been reported in the literature in individuals affected with SRCAP-related conditions. Invitae Evidence Modeling of protein sequence and biophysical properties (such as structural, functional, and spatial information, amino acid conservation, physicochemical variation, residue mobility, and thermodynamic stability) indicates that this missense variant is not expected to disrupt SRCAP protein function with a negative predictive value of 80%. In summary, the available evidence is currently insufficient to determine the role of this variant in disease. Therefore, it has been classified as a Variant of Uncertain Significance.

NM_006662.3(SRCAP):c.3070G>A (p.Val1024Ile)

Gene: SRCAP (Snf2 related CREBBP activator protein; plus strand). Cytogenetic location: 16p11.2.
Variant type: single nucleotide variant.
Coding change: c.3070G>A on transcript NM_006662.3 (MANE Select); coding-DNA position 3070, G replaced by A.
Protein change: p.Val1024Ile; replaces valine 1024 with isoleucine.
Molecular consequence: missense variant.
Genome position (GRCh38, 1-based): chr16:30,720,795, G>A. VCF-style: chr16-30720795-G-A. GRCh37 (hg19) VCF-style: chr16-30732116-G-A.
Other names: short protein forms V1024I.
Identifiers: ClinVar variation 4779993 (VCV004779993.1).